The following is an entry in ClinVar:

NM_006516.4(SLC2A1):c.966C>T (p.Val322=)

Gene: SLC2A1 (solute carrier family 2 member 1; minus strand). Cytogenetic location: 1p34.2.
Variant type: single nucleotide variant.
Coding change: c.966C>T on transcript NM_006516.4 (MANE Select); coding-DNA position 966, C replaced by T.
Protein change: p.Val322=; no amino-acid change (valine 322 retained).
Molecular consequence: synonymous variant.
Genome position (GRCh38, 1-based): chr1:42,929,216, G>A on the plus strand (C>T on the coding strand, the complement: SLC2A1 is on the minus strand). VCF-style: chr1-42929216-G-A. GRCh37 (hg19) VCF-style: chr1-43394887-G-A.
Other names: p.V322V:GTC>GTT; p.Val322=; c.966C>T (NM_006516.3).
Identifiers: ClinVar variation 95418 (VCV000095418.37), dbSNP rs2229680, ClinGen allele CA019368.

ClinVar aggregate classification (germline): Benign. Review status: criteria provided, multiple submitters, no conflicts (2 of 4 stars). 20 submissions from 15 submitters: Benign (16). 4 of the submissions do not count toward it. Last evaluated 2026-02-03.

Conditions:
Hereditary cryohydrocytosis with reduced stomatin. Also called: Stomatin-deficient cryohydrocytosis with neurologic defects; GLUT1 DEFICIENCY SYNDROME WITH PSEUDOHYPERKALEMIA AND HEMOLYSIS. Identifiers: Orphanet 168577, MedGen C1837206, MONDO:0012143, OMIM 608885.
Inborn genetic diseases. Identifiers: MedGen C0950123, MeSH D030342.
Dystonia 9 (DYT9). Also called: CHOREOATHETOSIS, KINESIGENIC, WITH EPISODIC ATAXIA AND SPASTICITY. Identifiers: Orphanet 53583, MedGen C1832855, MONDO:0010983, OMIM 601042.
Epilepsy, idiopathic generalized, susceptibility to, 12 (EIG12). Identifiers: MedGen C3553859, MONDO:0013919, OMIM 614847.
Childhood onset GLUT1 deficiency syndrome 2. Also called: Exertion-induced paroxysmal dyskinesia; PED WITH OR WITHOUT EPILEPSY AND/OR HEMOLYTIC ANEMIA; PAROXYSMAL EXERCISE-INDUCED DYSKINESIA WITH OR WITHOUT EPILEPSY AND/OR HEMOLYTIC ANEMIA; PAROXYSMAL EXERTION-INDUCED DYSTONIA WITH OR WITHOUT EPILEPSY AND/OR HEMOLYTIC ANEMIA; Paroxysmal exercise-induced dystonia; GLUT1 deficiency syndrome 2. Identifiers: Orphanet 98811, MedGen C1842534, MONDO:0012805, OMIM 612126.
GLUT1 deficiency syndrome 1, autosomal recessive. Identifiers: MedGen C3149117.
Encephalopathy due to GLUT1 deficiency. Also called: GLUCOSE TRANSPORT DEFECT, BLOOD-BRAIN BARRIER; Classic Glucose Transporter Type 1 Deficiency Syndrome; De Vivo disease; GLUT1 deficiency syndrome 1; Glucose transporter protein syndrome; GLUT1 deficiency syndrome 1, infantile onset, severe. Identifiers: Orphanet 71277, MedGen C4551966, MONDO:0011724, OMIM 606777.

Allele frequency attached by ClinVar (database versions not stated): gnomAD exomes 0.00656 and 0.01712; ExAC 0.02144; gnomAD 0.06553; TOPMed 0.07299; ESP Exome Variant Server 0.07581; 1000 Genomes Project 0.08047; 1000 Genomes Project 30x 0.08510.
gnomAD v4.1: 20,303 of 1,613,586 alleles (1.3%); highest among the groups gnomAD compares: African/African-American, 24%; 2,163 homozygotes.

Submissions (20):

Labcorp Genetics (formerly Invitae), Labcorp
Classification: Benign for GLUT1 deficiency syndrome 1, autosomal recessive. Last evaluated: 2026-02-03. Review status: criteria provided, single submitter. Criteria: Invitae Variant Classification Sherloc (09022015). Collection method: clinical testing. Allele origin: germline.

Blueprint Genetics
Classification: Benign. Last evaluated: 2024-11-26. Review status: criteria provided, single submitter. Criteria: ACMG Guidelines, 2015. Collection method: clinical testing. Allele origin: germline.

Genome-Nilou Lab
Classification: Benign for Epilepsy, idiopathic generalized, susceptibility to, 12. Last evaluated: 2023-04-11. Review status: criteria provided, single submitter. Criteria: ACMG Guidelines, 2015. Collection method: clinical testing. Allele origin: germline. Affected: no.

Genome-Nilou Lab
Classification: Benign for Dystonia 9. Last evaluated: 2023-04-11. Review status: criteria provided, single submitter. Criteria: ACMG Guidelines, 2015. Collection method: clinical testing. Allele origin: germline. Affected: no.

Genome-Nilou Lab
Classification: Benign for Encephalopathy due to GLUT1 deficiency. Last evaluated: 2023-04-11. Review status: criteria provided, single submitter. Criteria: ACMG Guidelines, 2015. Collection method: clinical testing. Allele origin: germline. Affected: no.

Genome-Nilou Lab
Classification: Benign for Childhood onset GLUT1 deficiency syndrome 2. Last evaluated: 2023-04-11. Review status: criteria provided, single submitter. Criteria: ACMG Guidelines, 2015. Collection method: clinical testing. Allele origin: germline. Affected: no.

Genome-Nilou Lab
Classification: Benign for Hereditary cryohydrocytosis with reduced stomatin. Last evaluated: 2023-04-11. Review status: criteria provided, single submitter. Criteria: ACMG Guidelines, 2015. Collection method: clinical testing. Allele origin: germline. Affected: no.

Mayo Clinic Laboratories, Mayo Clinic
Classification: Benign. Last evaluated: 2023-01-23. Review status: criteria provided, single submitter. Criteria: ACMG Guidelines, 2015. Collection method: clinical testing. Allele origin: germline. Observed: 278 variant alleles.

Illumina Laboratory Services, Illumina
Classification: Benign for Encephalopathy due to GLUT1 deficiency. Last evaluated: 2017-04-27. Review status: criteria provided, single submitter. Criteria: ICSL Variant Classification Criteria 13 December 2019. Collection method: clinical testing. Allele origin: germline.
Comment: This variant was observed as part of a predisposition screen in an ostensibly healthy population. A literature search was performed for the gene, cDNA change, and amino acid change (where applicable). No publications were found based on this search. Allele frequency data from public databases was too high to be consistent with this variant causing disease. Therefore, this variant is classified as benign.

Illumina Laboratory Services, Illumina
Classification: Benign for Dystonia 9. Last evaluated: 2017-04-27. Review status: criteria provided, single submitter. Criteria: ICSL Variant Classification Criteria 13 December 2019. Collection method: clinical testing. Allele origin: germline.
Comment: the same text as in the submission from Illumina Laboratory Services, Illumina above.

Ambry Genetics
Classification: Benign for Inborn genetic diseases. Last evaluated: 2016-02-25. Review status: criteria provided, single submitter. Criteria: Ambry Variant Classification Scheme 2023. Collection method: clinical testing. Allele origin: germline.

Eurofins Ntd Llc (ga)
Classification: Benign. Last evaluated: 2014-07-14. Review status: criteria provided, single submitter. Criteria: EGL Classification Definitions 2015. Collection method: clinical testing. Allele origin: germline. Observed: 6 variant alleles, 5 heterozygotes, 1 homozygote.

Genetic Services Laboratory, University of Chicago
Classification: Benign. Last evaluated: 2013-02-08. Review status: criteria provided, single submitter. Criteria: ACMG Guidelines, 2007. Collection method: clinical testing. Allele origin: germline. Inheritance: Autosomal dominant inheritance.

GeneDx
Classification: Benign. Last evaluated: 2012-03-22. Review status: criteria provided, single submitter. Criteria: GeneDx Variant Classification (06012015). Collection method: clinical testing. Allele origin: germline. Affected: yes.
Comment: This variant is considered likely benign or benign based on one or more of the following criteria: it is a conservative change, it occurs at a poorly conserved position in the protein, it is predicted to be benign by multiple in silico algorithms, and/or has population frequency not consistent with disease.

Breakthrough Genomics
Classification: Benign. Review status: criteria provided, single submitter. Criteria: ACMG Guidelines, 2015. Collection method: not provided. Allele origin: germline. Inheritance: Autosomal dominant inheritance. Affected: yes.

PreventionGenetics, part of Exact Sciences
Classification: Benign. Review status: criteria provided, single submitter. Criteria: ACMG Guidelines, 2015. Collection method: clinical testing. Allele origin: germline.

Clinical Genetics DNA and cytogenetics Diagnostics Lab, Erasmus MC, Erasmus Medical Center
Classification: Benign. Review status: no assertion criteria provided. Collection method: clinical testing. Allele origin: germline. Affected: yes. Study: VKGL Data-share Consensus. Not counted in ClinVar's aggregate classification.

Clinical Genetics, Academic Medical Center
Classification: Benign. Review status: no assertion criteria provided. Collection method: clinical testing. Allele origin: germline. Affected: yes. Study: VKGL Data-share Consensus. Not counted in ClinVar's aggregate classification.

Genome Diagnostics Laboratory, University Medical Center Utrecht
Classification: Benign. Review status: no assertion criteria provided. Collection method: clinical testing. Allele origin: germline. Affected: yes. Study: VKGL Data-share Consensus. Not counted in ClinVar's aggregate classification.

Joint Genome Diagnostic Labs from Nijmegen and Maastricht, Radboudumc and MUMC+
Classification: Benign. Review status: no assertion criteria provided. Collection method: clinical testing. Allele origin: germline. Affected: yes. Study: VKGL Data-share Consensus. Not counted in ClinVar's aggregate classification.